The following is an entry in ClinVar:

ClinVar aggregate classification (germline): Uncertain significance (1 of 4 stars; one submission).

Allele frequency attached by ClinVar (database versions not stated): TOPMed below 0.00001; gnomAD 0.00001.
gnomAD v4.1: 1 of 1,609,052 alleles (0.000062%); highest among the groups gnomAD compares: Non-Finnish European, 0.000085%; no homozygotes.

Submission:

Labcorp Genetics (formerly Invitae), Labcorp
Classification: Uncertain significance. Last evaluated: 2022-03-04. Review status: criteria provided, single submitter. Criteria: Invitae Variant Classification Sherloc (09022015). Collection method: clinical testing. Allele origin: germline.
Comment: This variant has not been reported in the literature in individuals affected with MTPAP-related conditions. This variant is not present in population databases (gnomAD no frequency). This sequence change falls in intron 6 of the MTPAP gene. It does not directly change the encoded amino acid sequence of the MTPAP protein. Algorithms developed to predict the effect of sequence changes on RNA splicing suggest that this variant may disrupt the consensus splice site. In summary, the available evidence is currently insufficient to determine the role of this variant in disease. Therefore, it has been classified as a Variant of Uncertain Significance.

NM_018109.4(MTPAP):c.1220-5T>G

Gene: MTPAP (mitochondrial poly(A) polymerase; minus strand). Cytogenetic location: 10p11.23.
Variant type: single nucleotide variant.
Coding change: c.1220-5T>G on transcript NM_018109.4 (MANE Select); 5 bases into the intron before coding-DNA position 1220, T replaced by G.
Molecular consequence: intron variant.
Genome position (GRCh38, 1-based): chr10:30,316,215, A>C on the plus strand (T>G on the coding strand, the complement: MTPAP is on the minus strand). VCF-style: chr10-30316215-A-C. GRCh37 (hg19) VCF-style: chr10-30605144-A-C.
Identifiers: ClinVar variation 1921958 (VCV001921958.5), dbSNP rs1840660041, ClinGen allele CA926397888.